The following is an entry in ClinVar:

ClinVar aggregate classification (germline): Benign/Likely benign. Review status: criteria provided, multiple submitters, no conflicts (2 of 4 stars). 3 submissions from 3 submitters: Benign (1); Likely benign (1). 1 of the submissions does not count toward it. Last evaluated 2024-08-04.

Conditions:
Joubert syndrome 23 (JBTS23). Identifiers: Orphanet 475, MedGen C4084822, MONDO:0014664, OMIM 616490.
Short-rib thoracic dysplasia 14 with polydactyly (SRTD14). Identifiers: Orphanet 397715, MedGen C4225286, MONDO:0014688, OMIM 616546.
KIAA0586-related disorder. Also called: KIAA0586- Related disorders; KIAA0586-related condition.

Allele frequency attached by ClinVar (database versions not stated): gnomAD 0.00002; gnomAD exomes 0.00016 and 0.00037; 1000 Genomes Project 30x 0.00031; 1000 Genomes Project 0.00040; ExAC 0.00077.
gnomAD v4.1: 222 of 1,586,164 alleles (0.014%); highest among the groups gnomAD compares: South Asian, 0.25%; 7 homozygotes.

Submissions (3):

Labcorp Genetics (formerly Invitae), Labcorp
Classification: Benign for Joubert syndrome 23; Short-rib thoracic dysplasia 14 with polydactyly. Last evaluated: 2024-08-04. Review status: criteria provided, single submitter. Criteria: Invitae Variant Classification Sherloc (09022015). Collection method: clinical testing. Allele origin: germline.

Blueprint Genetics
Classification: Likely benign. Last evaluated: 2021-06-14. Review status: criteria provided, single submitter. Criteria: ACMG Guidelines, 2015. Collection method: clinical testing. Allele origin: germline.

PreventionGenetics, part of Exact Sciences
Classification: Likely benign for KIAA0586-related condition. Last evaluated: 2019-04-24. Review status: no assertion criteria provided. Collection method: clinical testing. Allele origin: germline. Not counted in ClinVar's aggregate classification.
Comment: This variant is classified as likely benign based on ACMG/AMP sequence variant interpretation guidelines (Richards et al. 2015 PMID: 25741868, with internal and published modifications).

NM_001329943.3(KIAA0586):c.4311A>G (p.Glu1437=)

Gene: KIAA0586 (KIAA0586; plus strand). Cytogenetic location: 14q23.1.
Variant type: single nucleotide variant.
Coding change: c.4311A>G on transcript NM_001329943.3 (MANE Select); coding-DNA position 4311, A replaced by G.
Protein change: p.Glu1437=; no amino-acid change (glutamic acid 1437 retained).
Molecular consequence: synonymous variant.
Genome position (GRCh38, 1-based): chr14:58,508,697, A>G. VCF-style: chr14-58508697-A-G. GRCh37 (hg19) VCF-style: chr14-58975415-A-G.
Other names: c.4311A>G, p.Glu1437= (NM_001329944.2, NM_001329946.2); c.4056A>G, p.Glu1352= (NM_001329945.2, NM_001364700.1, NM_001364701.2 and 1 more transcripts); c.4179A>G, p.Glu1393= (NM_001329947.2, NM_001244192.2); c.4083A>G, p.Glu1361= (NM_014749.5); c.4470A>G, p.Glu1490= (NM_001244189.2); c.4266A>G, p.Glu1422= (NM_001244190.2); c.3891A>G, p.Glu1297= (NM_001244193.2); c.4470A>G (NM_001244189.1).
Identifiers: ClinVar variation 1626411 (VCV001626411.11), dbSNP rs536603405, ClinGen allele CA7206362.